The following is an entry in ClinVar:

NM_015102.5(NPHP4):c.1102G>A (p.Ala368Thr)

Gene: NPHP4 (nephrocystin 4; minus strand). Cytogenetic location: 1p36.31.
Variant type: single nucleotide variant.
Coding change: c.1102G>A on transcript NM_015102.5 (MANE Select); coding-DNA position 1102, G replaced by A.
Protein change: p.Ala368Thr; replaces alanine 368 with threonine.
Molecular consequence: missense variant. On other transcripts: 5 prime UTR variant (2), non-coding transcript variant (1).
Genome position (GRCh38, 1-based): chr1:5,947,121, C>T on the plus strand (G>A on the coding strand, the complement: NPHP4 is on the minus strand). VCF-style: chr1-5947121-C-T. GRCh37 (hg19) VCF-style: chr1-6007181-C-T.
Other names: c.-265G>A (NM_001291593.2, NM_001291594.2); short protein forms A368T.
Identifiers: ClinVar variation 2638111 (VCV002638111.24), dbSNP rs2523102283, ClinGen allele CA338063718.
Genomic context (GRCh38, chr1:5,947,121, plus strand): 5'-GTTCACCACCAGAGGAAACCGAGTGCAAAAGGGCTGTTCTTACATTGCCGTCCACTCCTG[C>T]AGGGCTGCTGAACACGTACTCCAGCTGGAAGATGACCGCAAATGCAGGGTGGCCGACCAT-3'
Protein context (NP_055917.1, residues 358-378): FQLEYVFSSP[Ala368Thr]GVDGNAASVT

ClinVar aggregate classification (germline): Uncertain significance (1 of 4 stars; one submission).

Allele frequency attached by ClinVar (database versions not stated): gnomAD exomes below 0.00001.
gnomAD v4.1: 2 of 1,614,040 alleles (0.00012%); highest among the groups gnomAD compares: Non-Finnish European, 0.00017%; no homozygotes.

Submission:

CeGaT Center for Human Genetics Tuebingen
Classification: Uncertain significance. Last evaluated: 2022-11-01. Review status: criteria provided, single submitter. Criteria: CeGaT Center For Human Genetics Tuebingen Variant Classification Criteria Version 2. Collection method: clinical testing. Allele origin: germline. Affected: yes. Observed: 1 variant allele.
Comment: NPHP4: PM2, BP4